The following is an entry in ClinVar:

ClinVar aggregate classification (germline): Uncertain significance. Review status: criteria provided, multiple submitters, no conflicts (2 of 4 stars). 4 submissions from 4 submitters: Uncertain significance (4). Last evaluated 2026-01-24.

Conditions:
Hereditary cancer-predisposing syndrome. Also called: Neoplastic Syndromes, Hereditary; Tumor predisposition; Hereditary Cancer Syndrome; Hereditary neoplastic syndrome. Identifiers: Orphanet 140162, MedGen C0027672, MeSH D009386, MONDO:0015356.

Allele frequency attached by ClinVar (database versions not stated): gnomAD 0.00001; gnomAD exomes 0.00001; TOPMed 0.00002.
gnomAD v4.1: 10 of 1,614,004 alleles (0.00062%); highest among the groups gnomAD compares: East Asian, 0.0022%; no homozygotes.

Submissions (4):

Labcorp Genetics (formerly Invitae), Labcorp
Classification: Uncertain significance. Last evaluated: 2026-01-24. Review status: criteria provided, single submitter. Criteria: Invitae Variant Classification Sherloc (09022015). Collection method: clinical testing. Allele origin: germline.
Comment: This sequence change replaces glutamic acid, which is acidic and polar, with lysine, which is basic and polar, at codon 548 of the POLE protein (p.Glu548Lys). This variant is present in population databases (no rsID available, gnomAD 0.01%). This variant has not been reported in the literature in individuals affected with POLE-related conditions. ClinVar contains an entry for this variant (Variation ID: 473475). Invitae Evidence Modeling of protein sequence and biophysical properties (such as structural, functional, and spatial information, amino acid conservation, physicochemical variation, residue mobility, and thermodynamic stability) has been performed for this missense variant. However, the output from this modeling did not meet the statistical confidence thresholds required to predict the impact of this variant on POLE protein function. In summary, the available evidence is currently insufficient to determine the role of this variant in disease. Therefore, it has been classified as a Variant of Uncertain Significance.

Ambry Genetics
Classification: Uncertain significance for Hereditary cancer-predisposing syndrome. Last evaluated: 2025-04-11. Review status: criteria provided, single submitter. Criteria: Ambry Variant Classification Scheme 2023. Collection method: clinical testing. Allele origin: germline.
Comment: The p.E548K variant (also known as c.1642G>A), located in coding exon 15 of the POLE gene, results from a G to A substitution at nucleotide position 1642. The glutamic acid at codon 548 is replaced by lysine, an amino acid with similar properties. This amino acid position is highly conserved in available vertebrate species. In addition, the in silico prediction for this alteration is inconclusive. Based on the available evidence, the clinical significance of this variant remains unclear.

GeneDx
Classification: Uncertain significance. Last evaluated: 2024-06-24. Review status: criteria provided, single submitter. Criteria: GeneDx Variant Classification Process June 2021. Collection method: clinical testing. Allele origin: germline. Affected: yes.
Comment: Not observed at significant frequency in large population cohorts (gnomAD); In silico analysis supports that this missense variant has a deleterious effect on protein structure/function; Identified in an individual with personal and/or family history of breast cancer (PMID: 35534704); This variant is associated with the following publications: (PMID: 20951805, 35534704)

Genetic Services Laboratory, University of Chicago
Classification: Uncertain significance. Last evaluated: 2019-08-26. Review status: criteria provided, single submitter. Criteria: ACMG Guidelines, 2015. Collection method: clinical testing. Allele origin: germline. Affected: no.

NM_006231.4(POLE):c.1642G>A (p.Glu548Lys)

Gene: POLE (DNA polymerase epsilon, catalytic subunit; minus strand). Cytogenetic location: 12q24.33.
Variant type: single nucleotide variant.
Coding change: c.1642G>A on transcript NM_006231.4 (MANE Select); coding-DNA position 1642, G replaced by A.
Protein change: p.Glu548Lys; replaces glutamic acid 548 with lysine.
Molecular consequence: missense variant.
Genome position (GRCh38, 1-based): chr12:132,672,671, C>T on the plus strand (G>A on the coding strand, the complement: POLE is on the minus strand). VCF-style: chr12-132672671-C-T. GRCh37 (hg19) VCF-style: chr12-133249257-C-T.
Other names: c.1642G>A (NM_006231.2); short protein forms E548K.
Identifiers: ClinVar variation 473475 (VCV000473475.14), dbSNP rs908638591, ClinGen allele CA246293544.